The following is an entry in ClinVar:

ClinVar aggregate classification (germline): Likely benign (1 of 4 stars; one submission).

Allele frequency attached by ClinVar (database versions not stated): ExAC 0.00022; TOPMed 0.00023; 1000 Genomes Project 0.00026; gnomAD 0.00027; 1000 Genomes Project 30x 0.00042; gnomAD exomes 0.00076; ESP Exome Variant Server 0.00085.
gnomAD v4.1: 849 of 1,209,148 alleles (0.07%); highest among the groups gnomAD compares: Non-Finnish European, 0.092%; no homozygotes.

Submission:

CeGaT Center for Human Genetics Tuebingen
Classification: Likely benign. Last evaluated: 2023-01-01. Review status: criteria provided, single submitter. Criteria: CeGaT Center For Human Genetics Tuebingen Variant Classification Criteria Version 2. Collection method: clinical testing. Allele origin: germline. Affected: yes. Observed: 1 variant allele.
Comment: USP11: BP4, BP7, BS2

NM_001371072.1(USP11):c.2493C>A (p.Leu831=)

Gene: USP11 (ubiquitin specific peptidase 11; plus strand). Cytogenetic location: Xp11.3.
Variant type: single nucleotide variant.
Coding change: c.2493C>A on transcript NM_001371072.1 (MANE Select); coding-DNA position 2493, C replaced by A.
Protein change: p.Leu831=; no amino-acid change (leucine 831 retained).
Molecular consequence: synonymous variant.
Genome position (GRCh38, 1-based): chrX:47,247,376, C>A. VCF-style: chrX-47247376-C-A. GRCh37 (hg19) VCF-style: chrX-47106775-C-A.
Identifiers: ClinVar variation 2660419 (VCV002660419.24), dbSNP rs148566531, ClinGen allele CA10397264.